The following is an entry in ClinVar:

NM_001371596.2(MFSD8):c.831dup (p.Val278fs)

Gene: MFSD8 (major facilitator superfamily domain containing 8; minus strand). Cytogenetic location: 4q28.2.
Variant type: Duplication.
Coding change: c.831dup on transcript NM_001371596.2 (MANE Select); coding-DNA position 831, one base duplicated (T; older notation c.831dupT).
Protein change: p.Val278fs; shifts the reading frame from valine 278.
Molecular consequence: frameshift variant.
Genome position (GRCh38, 1-based): chr4:127,933,017, A duplicated on the plus strand (T on the coding strand, the reverse complement: MFSD8 is on the minus strand); the first of 6 consecutive A bases (chr4:127,933,017-127,933,022); duplicating any one gives the same sequence. VCF-style (leftmost placement, unchanged base first): chr4-127933016-C-CA. GRCh37 (hg19) VCF-style: chr4-128854171-C-CA.
Other names: c.712dup, p.Val240Cysfs (NM_001371593.2, NM_001410766.1); c.679dup, p.Val229Cysfs (NM_001371594.2); c.549dup, p.Val184fs (NM_001371595.1); c.376dup, p.Val128Cysfs (NM_001410765.1); c.831dup, p.Val278fs (NM_152778.4); c.831dupT (NM_152778.2); c.625dup, p.Val211Cysfs (NM_001363520.3); c.511dup, p.Val173Cysfs (NM_001363521.3); and 3 more; short protein forms V173fs, V211fs, V229fs, V240fs, V278fs, V184fs, V233fs, V280fs.
Identifiers: ClinVar variation 648978 (VCV000648978.15), dbSNP rs775699005, ClinGen allele CA3077364.

ClinVar aggregate classification (germline): Pathogenic/Likely pathogenic. Review status: criteria provided, multiple submitters, no conflicts (2 of 4 stars). 4 submissions from 4 submitters: Pathogenic (2); Likely pathogenic (2). Last evaluated 2026-10-08.

Conditions:
MFSD8-related disorders.
MFSD8-related disorder. Also called: MFSD8-related condition.
Neuronal ceroid lipofuscinosis 7 (CLN7). Also called: MFSD8-Related Neuronal Ceroid-Lipofuscinosis. Identifiers: Orphanet 168491, Orphanet 228366, MedGen C1838571, MONDO:0012588, OMIM 610951.

Submissions (4):

GeneDx
Classification: Pathogenic. Last evaluated: 2026-10-08. Review status: criteria provided, single submitter. Criteria: GeneDx Variant Classification Process June 2021. Collection method: clinical testing. Allele origin: germline.
Comment: Frameshift variant predicted to result in protein truncation or nonsense mediated decay in a gene for which loss of function is a known mechanism of disease; Not observed at significant frequency in large population cohorts (gnomAD); Has not been previously published as pathogenic or benign in association with neurodevelopmental disorders to our knowledge; This variant is associated with the following publications: (PMID: 31964843)

PreventionGenetics, part of Exact Sciences
Classification: Likely pathogenic for MFSD8-related condition. Last evaluated: 2026-02-19. Review status: criteria provided, single submitter. Criteria: ACMG Guidelines, 2015. Collection method: clinical testing. Allele origin: germline.
Comment: The MFSD8 c.831dupT variant is predicted to result in a frameshift and premature protein termination (p.Val278Cysfs*10). To our knowledge, this variant has not been previously reported in the literature in an individual with MFSD8-related disease. This variant is reported in 0.00088% of alleles in individuals of European (Non-Finnish) descent in gnomAD. Frameshift variants in MFSD8 are expected to be pathogenic. This variant is interpreted as likely pathogenic.

Labcorp Genetics (formerly Invitae), Labcorp
Classification: Pathogenic for Neuronal ceroid lipofuscinosis 7. Last evaluated: 2025-02-26. Review status: criteria provided, single submitter. Criteria: Invitae Variant Classification Sherloc (09022015). Collection method: clinical testing. Allele origin: germline.
Comment: This sequence change creates a premature translational stop signal (p.Val278Cysfs*10) in the MFSD8 gene. It is expected to result in an absent or disrupted protein product. Loss-of-function variants in MFSD8 are known to be pathogenic (PMID: 19177532, 25227500, 28586915). This variant is present in population databases (rs775699005, gnomAD 0.0009%). This variant has not been reported in the literature in individuals affected with MFSD8-related conditions. ClinVar contains an entry for this variant (Variation ID: 648978). For these reasons, this variant has been classified as Pathogenic.

Blueprint Genetics
Classification: Likely pathogenic for MFSD8-related disorders. Last evaluated: 2019-11-19. Review status: criteria provided, single submitter. Criteria: ACMG Guidelines, 2015. Collection method: clinical testing. Allele origin: germline. Affected: yes. Observed: 1 variant allele.

Literature cited by the submitters: PubMed 19177532 (cited by Labcorp Genetics (formerly Invitae), Labcorp); PubMed 25227500 (cited by Labcorp Genetics (formerly Invitae), Labcorp); PubMed 28586915 (cited by Labcorp Genetics (formerly Invitae), Labcorp).